The following is an entry in ClinVar:

ClinVar aggregate classification (germline): Uncertain significance (1 of 4 stars; one submission).

Conditions:
Atrial fibrillation, familial, 6 (ATFB6). Identifiers: MedGen C2677294, MONDO:0012816, OMIM 612201.

Submission:

Labcorp Genetics (formerly Invitae), Labcorp
Classification: Uncertain significance for Atrial fibrillation, familial, 6. Last evaluated: 2025-09-27. Review status: criteria provided, single submitter. Criteria: Invitae Variant Classification Sherloc (09022015). Collection method: clinical testing. Allele origin: germline.
Comment: This variant, c.82_93dup, results in the insertion of 4 amino acid(s) of the NPPA protein (p.Met28_Ala31dup), but otherwise preserves the integrity of the reading frame. This variant is not present in population databases (gnomAD no frequency). This variant has not been reported in the literature in individuals affected with NPPA-related conditions. In summary, the available evidence is currently insufficient to determine the role of this variant in disease. Therefore, it has been classified as a Variant of Uncertain Significance.

NM_006172.4(NPPA):c.82_93dup (p.Ala31_Val32insMetTyrAsnAla)

Genes: NPPA (natriuretic peptide A; minus strand), NPPA-AS1 (NPPA antisense RNA 1; plus strand), LOC114827827 (VISTA enhancer hs2123; plus strand). Cytogenetic location: 1p36.22.
Variant type: Duplication.
Coding change: c.82_93dup on transcript NM_006172.4 (MANE Select); coding-DNA positions 82 to 93, 12 bases duplicated (ATGTACAATGCC).
Protein change: p.Ala31_Val32insMetTyrAsnAla.
Molecular consequence: inframe insertion. On other transcripts: non-coding transcript variant (1).
Genome position (GRCh38, 1-based): chr1:11,847,592-11,847,603, GGCATTGTACAT duplicated on the plus strand (ATGTACAATGCC on the coding strand, the reverse complement: NPPA is on the minus strand); duplicating any 12 consecutive bases within chr1:11,847,592-11,847,605 gives the same sequence; the c. name uses the placement nearest the transcript's 3' end. VCF-style (leftmost placement, unchanged base first): chr1-11847591-C-CGGCATTGTACAT. GRCh37 (hg19) VCF-style: chr1-11907648-C-CGGCATTGTACAT.
Identifiers: ClinVar variation 4747681 (VCV004747681.1).
Genomic context (GRCh38, chr1:11,847,591, plus strand): 5'-CCCCAGACTGCACCCGCTTTCCTGGCCCTACCTTGAAATCCATCAGGTCTGCGTTGGACA[C>CGGCATTGTACAT]GGCATTGTACATGGGATTAGCTCTGGTCTGACCTAGGAGCTGGAATGCCAGTAAAAGGAG-3'